The following is an entry in ClinVar:

NM_002609.4(PDGFRB):c.17C>G (p.Ala6Gly)

Gene: PDGFRB (platelet derived growth factor receptor beta; minus strand). Cytogenetic location: 5q32.
Variant type: single nucleotide variant.
Coding change: c.17C>G on transcript NM_002609.4 (MANE Select); coding-DNA position 17, C replaced by G.
Protein change: p.Ala6Gly; replaces alanine 6 with glycine.
Molecular consequence: missense variant. On other transcripts: 5 prime UTR variant (1), intron variant (1).
Genome position (GRCh38, 1-based): chr5:150,137,031, G>C on the plus strand (C>G on the coding strand, the complement: PDGFRB is on the minus strand). VCF-style: chr5-150137031-G-C. GRCh37 (hg19) VCF-style: chr5-149516594-G-C.
Other names: c.-501C>G (NM_001355017.2); c.-152-1153C>G (NM_001355016.2); short protein forms A6G.
Identifiers: ClinVar variation 1716096 (VCV001716096.6), dbSNP rs150173975, ClinGen allele CA361730880.

ClinVar aggregate classification (germline): Uncertain significance (1 of 4 stars; one submission).

Conditions:
Basal ganglia calcification, idiopathic, 4 (PFBC4). Also called: Familial Idiopathic Basal Ganglia Calcification 4; PRIMARY FAMILIAL BRAIN CALCIFICATION 4, AUTOSOMAL DOMINANT. Identifiers: Orphanet 1980, MedGen C3554321, MONDO:0014004, OMIM 615007.
Acroosteolysis-keloid-like lesions-premature aging syndrome. Also called: Premature aging syndrome, Penttinen type; Prematurely aged appearance, delayed bone maturation, acro-osteolysis, and brachydactyly; Progeroid syndrome, Penttinen type. Identifiers: Orphanet 363665, MedGen C1866182, MONDO:0011150, OMIM 601812.
Skeletal overgrowth-craniofacial dysmorphism-hyperelastic skin-white matter lesions syndrome. Also called: SKELETAL OVERGROWTH WITH FACIAL DYSMORPHISM, HYPERELASTIC SKIN, WHITE MATTER LESIONS, AND NEUROLOGIC DETERIORATION; Kosaki overgrowth syndrome. Identifiers: Orphanet 477831, MedGen C4225270, MONDO:0014704, OMIM 616592.
Infantile myofibromatosis (IMF). Also called: Congenital generalized fibromatosis. Identifiers: Orphanet 2591, MedGen C0432284, MONDO:0016824.

Submission:

Labcorp Genetics (formerly Invitae), Labcorp
Classification: Uncertain significance for Basal ganglia calcification, idiopathic, 4; Skeletal overgrowth-craniofacial dysmorphism-hyperelastic skin-white matter lesions syndrome; Infantile myofibromatosis; Acroosteolysis-keloid-like lesions-premature aging syndrome. Last evaluated: 2024-04-10. Review status: criteria provided, single submitter. Criteria: Invitae Variant Classification Sherloc (09022015). Collection method: clinical testing. Allele origin: germline.
Comment: This sequence change replaces alanine, which is neutral and non-polar, with glycine, which is neutral and non-polar, at codon 6 of the PDGFRB protein (p.Ala6Gly). This variant is not present in population databases (gnomAD no frequency). This variant has not been reported in the literature in individuals affected with PDGFRB-related conditions. ClinVar contains an entry for this variant (Variation ID: 1716096). Advanced modeling of protein sequence and biophysical properties (such as structural, functional, and spatial information, amino acid conservation, physicochemical variation, residue mobility, and thermodynamic stability) performed at Invitae indicates that this missense variant is not expected to disrupt PDGFRB protein function with a negative predictive value of 95%. In summary, the available evidence is currently insufficient to determine the role of this variant in disease. Therefore, it has been classified as a Variant of Uncertain Significance.